The following is an entry in ClinVar:

ClinVar aggregate classification (germline): Conflicting classifications of pathogenicity. Review status: criteria provided, conflicting classifications (1 of 4 stars). 4 submissions from 4 submitters: Uncertain significance (3); Likely benign (1). Last evaluated 2026-01-19.

Conditions:
ATP13A2-related disorder. Also called: ATP13A2-related disorders; ATP13A2-related condition.
Inborn genetic diseases. Identifiers: MedGen C0950123, MeSH D030342.
Kufor-Rakeb syndrome (KRS). Also called: PARKINSON DISEASE 9, AUTOSOMAL RECESSIVE, JUVENILE-ONSET. Identifiers: Orphanet 306674, Orphanet 314632, MedGen C1847640, MONDO:0011706, OMIM 606693.
Autosomal recessive spastic paraplegia type 78. Identifiers: Orphanet 513436, MedGen C5567893, MONDO:0014975, OMIM 617225.

Allele frequency attached by ClinVar (database versions not stated): gnomAD exomes 0.00004; ExAC 0.00005; TOPMed 0.00022; gnomAD 0.00025 and 0.00029; ESP Exome Variant Server 0.00038.
gnomAD v4.1: 103 of 1,614,176 alleles (0.0064%); highest among the groups gnomAD compares: African/African-American, 0.08%; no homozygotes.

Submissions (4):

Labcorp Genetics (formerly Invitae), Labcorp
Classification: Uncertain significance for Kufor-Rakeb syndrome; Autosomal recessive spastic paraplegia type 78. Last evaluated: 2026-01-19. Review status: criteria provided, single submitter. Criteria: Invitae Variant Classification Sherloc (09022015). Collection method: clinical testing. Allele origin: germline.
Comment: This sequence change replaces arginine, which is basic and polar, with glutamine, which is neutral and polar, at codon 451 of the ATP13A2 protein (p.Arg451Gln). This variant is present in population databases (rs138546275, gnomAD 0.05%). This variant has not been reported in the literature in individuals affected with ATP13A2-related conditions. ClinVar contains an entry for this variant (Variation ID: 210380). An algorithm developed to predict the effect of missense changes on protein structure and function outputs the following: PolyPhen-2: "Benign". The glutamine amino acid residue is found in multiple mammalian species, which suggests that this missense change does not adversely affect protein function. In summary, the available evidence is currently insufficient to determine the role of this variant in disease. Therefore, it has been classified as a Variant of Uncertain Significance.

Ambry Genetics
Classification: Likely benign for Inborn genetic diseases. Last evaluated: 2025-01-24. Review status: criteria provided, single submitter. Criteria: Ambry Variant Classification Scheme 2023. Collection method: clinical testing. Allele origin: germline.

PreventionGenetics, part of Exact Sciences
Classification: Uncertain significance for ATP13A2-related condition. Last evaluated: 2023-04-03. Review status: criteria provided, single submitter. Criteria: ACMG Guidelines, 2015. Collection method: clinical testing. Allele origin: germline.
Comment: The ATP13A2 c.1352G>A variant is predicted to result in the amino acid substitution p.Arg451Gln. To our knowledge, this variant has not been reported in the literature. This variant is reported in 0.052% of alleles in individuals of African descent in gnomAD. This variant is in 2nd last nucleotide of exon 14 and new cryptic splice site is moderately predicted (Alamut Visual Plus v1.6.1). At this time, the clinical significance of this variant is uncertain due to the absence of conclusive functional and genetic evidence.

Genetic Services Laboratory, University of Chicago
Classification: Uncertain significance. Last evaluated: 2015-07-07. Review status: criteria provided, single submitter. Criteria: ACMG Guidelines, 2015. Collection method: clinical testing. Allele origin: germline.

NM_022089.4(ATP13A2):c.1352G>A (p.Arg451Gln)

Gene: ATP13A2 (ATPase cation transporting 13A2; minus strand). Cytogenetic location: 1p36.13.
Variant type: single nucleotide variant.
Coding change: c.1352G>A on transcript NM_022089.4 (MANE Select); coding-DNA position 1352, G replaced by A.
Protein change: p.Arg451Gln; replaces arginine 451 with glutamine.
Molecular consequence: missense variant.
Genome position (GRCh38, 1-based): chr1:16,996,255, C>T on the plus strand (G>A on the coding strand, the complement: ATP13A2 is on the minus strand). VCF-style: chr1-16996255-C-T. GRCh37 (hg19) VCF-style: chr1-17322750-C-T.
Other names: c.1337G>A, p.Arg446Gln (NM_001141973.3, NM_001141974.3); c.1352G>A (NM_022089.3); short protein forms R451Q, R446Q.
Identifiers: ClinVar variation 210380 (VCV000210380.14), dbSNP rs138546275, ClinGen allele CA209120.
Genomic context (GRCh38, chr1:16,996,255, plus strand): 5'-TGGCTGGTTGGCCCCTGGGCCCTGCTGGCAGCACCCCCCACCCCACCCCCAAGGCTTACC[C>T]GGTTTCGGTAGAGGATGAAGATGCTGTAGATGGTGCCGAGGAGAGCTGTGGGGACAGCGA-3'
Protein context (NP_071372.1, residues 441-461): IYSIFILYRN[Arg451Gln]VPLNEIVIRA